The following is an entry in ClinVar:

NM_000179.3(MSH6):c.1300G>T (p.Glu434Ter)

Gene: MSH6 (mutS homolog 6; plus strand). Cytogenetic location: 2p16.3.
Variant type: single nucleotide variant.
Coding change: c.1300G>T on transcript NM_000179.3 (MANE Select); coding-DNA position 1300, G replaced by T.
Protein change: p.Glu434Ter; replaces glutamic acid 434 with a stop codon.
Molecular consequence: nonsense. On other transcripts: non-coding transcript variant (4), intron variant (1).
Genome position (GRCh38, 1-based): chr2:47,799,283, G>T. VCF-style: chr2-47799283-G-T. GRCh37 (hg19) VCF-style: chr2-48026422-G-T.
Other names: c.910G>T, p.Glu304Ter (NM_001281492.2); c.394G>T, p.Glu132Ter (NM_001281493.2, NM_001406811.1, NM_001406812.1 and 6 more transcripts); c.1300G>T, p.Glu434Ter (NM_001406809.1, NM_001406817.1, NM_001406800.1 and 4 more transcripts); c.1306G>T, p.Glu436Ter (NM_001406813.1); c.1003G>T, p.Glu335Ter (NM_001406818.1, NM_001406819.1, NM_001406801.1 and 10 more transcripts); c.1396G>T, p.Glu466Ter (NM_001406802.1, NM_001406795.1); c.1222G>T, p.Glu408Ter (NM_001406804.1); c.775G>T, p.Glu259Ter (NM_001406806.1, NM_001406807.1, NM_001406799.1); and 2 more; short protein forms E259*, E304*, E132*, E378*, E408*, E436*, E335*, E434*.
Identifiers: ClinVar variation 2761442 (VCV002761442.3), dbSNP rs2104334690, ClinGen allele CA346744263.

ClinVar aggregate classification (germline): Pathogenic (1 of 4 stars; one submission).

Conditions:
Hereditary nonpolyposis colorectal neoplasms. Identifiers: MedGen C0009405, MeSH D003123.

Submission:

Labcorp Genetics (formerly Invitae), Labcorp
Classification: Pathogenic for Hereditary nonpolyposis colorectal neoplasms. Last evaluated: 2024-10-16. Review status: criteria provided, single submitter. Criteria: Invitae Variant Classification Sherloc (09022015). Collection method: clinical testing. Allele origin: germline.
Comment: This sequence change creates a premature translational stop signal (p.Glu434*) in the MSH6 gene. It is expected to result in an absent or disrupted protein product. Loss-of-function variants in MSH6 are known to be pathogenic (PMID: 18269114, 24362816). This variant is not present in population databases (gnomAD no frequency). This variant has not been reported in the literature in individuals affected with MSH6-related conditions. For these reasons, this variant has been classified as Pathogenic.

Literature cited by the submitters: PubMed 18269114; PubMed 24362816.